The following is an entry in ClinVar:

ClinVar aggregate classification (germline): Pathogenic (1 of 4 stars; one submission).

Conditions:
Rubinstein-Taybi syndrome due to EP300 haploinsufficiency. Also called: EP300-Related Rubinstein-Taybi Syndrome; RUBINSTEIN-TAYBI SYNDROME 2. Identifiers: Orphanet 353284, Orphanet 783, MedGen C3150941, MONDO:0013364, OMIM 613684.

Submission:

Labcorp Genetics (formerly Invitae), Labcorp
Classification: Pathogenic for Rubinstein-Taybi syndrome due to EP300 haploinsufficiency. Last evaluated: 2019-10-25. Review status: criteria provided, single submitter. Criteria: Invitae Variant Classification Sherloc (09022015). Collection method: clinical testing. Allele origin: germline.
Comment: Loss-of-function variants in EP300 are known to be pathogenic (PMID: 15706485, 24476420). For these reasons, this variant has been classified as Pathogenic. This variant has not been reported in the literature in individuals with EP300-related conditions. This variant is not present in population databases (ExAC no frequency). This sequence change creates a premature translational stop signal (p.Ala1359Lysfs*52) in the EP300 gene. It is expected to result in an absent or disrupted protein product.

Literature cited by the submitters: PubMed 15706485; PubMed 24476420.

NM_001429.4(EP300):c.4073_4074dup (p.Ala1359fs)

Gene: EP300 (EP300 lysine acetyltransferase; plus strand). Cytogenetic location: 22q13.2.
Variant type: Duplication.
Coding change: c.4073_4074dup on transcript NM_001429.4 (MANE Select); coding-DNA positions 4073 to 4074, 2 bases duplicated (AA; older notation c.4073_4074dupAA).
Protein change: p.Ala1359fs; shifts the reading frame from alanine 1359.
Molecular consequence: frameshift variant.
Genome position (GRCh38, 1-based): chr22:41,168,768-41,168,769, AA duplicated; duplicating any 2 consecutive bases within chr22:41,168,767-41,168,769 gives the same sequence; the c. name uses the placement nearest the transcript's 3' end. VCF-style (leftmost placement, unchanged base first): chr22-41168766-C-CAA. GRCh37 (hg19) VCF-style: chr22-41564770-C-CAA.
Other names: c.3995_3996dup, p.Ala1333fs (NM_001362843.2); short protein forms A1333fs, A1359fs.
Identifiers: ClinVar variation 968254 (VCV000968254.10), dbSNP rs2059154269, ClinGen allele CA1139667118.